The following is an entry in ClinVar:

ClinVar aggregate classification (germline): Uncertain significance (1 of 4 stars; one submission).

Allele frequency attached by ClinVar (database versions not stated): gnomAD exomes below 0.00001; ExAC 0.00001; TOPMed 0.00001; ESP Exome Variant Server 0.00008.

Submission:

Labcorp Genetics (formerly Invitae), Labcorp
Classification: Uncertain significance. Last evaluated: 2025-07-02. Review status: criteria provided, single submitter. Criteria: Invitae Variant Classification Sherloc (09022015). Collection method: clinical testing. Allele origin: germline.
Comment: This sequence change replaces histidine, which is basic and polar, with aspartic acid, which is acidic and polar, at codon 32 of the SLC1A2 protein (p.His32Asp). This variant is present in population databases (rs375325526, gnomAD 0.007%). This missense change has been observed in individual(s) with seizures (internal data). ClinVar contains an entry for this variant (Variation ID: 2169380). An algorithm developed to predict the effect of missense changes on protein structure and function (PolyPhen-2) suggests that this variant is likely to be tolerated. In summary, the available evidence is currently insufficient to determine the role of this variant in disease. Therefore, it has been classified as a Variant of Uncertain Significance.

NM_004171.4(SLC1A2):c.94C>G (p.His32Asp)

Gene: SLC1A2 (solute carrier family 1 member 2; minus strand). Cytogenetic location: 11p13.
Variant type: single nucleotide variant.
Coding change: c.94C>G on transcript NM_004171.4 (MANE Select); coding-DNA position 94, C replaced by G.
Protein change: p.His32Asp; replaces histidine 32 with aspartic acid.
Molecular consequence: missense variant.
Genome position (GRCh38, 1-based): chr11:35,317,440, G>C on the plus strand (C>G on the coding strand, the complement: SLC1A2 is on the minus strand). VCF-style: chr11-35317440-G-C. GRCh37 (hg19) VCF-style: chr11-35338987-G-C.
Other names: c.67C>G, p.His23Asp (NM_001195728.3, NM_001252652.2); short protein forms H23D, H32D.
Identifiers: ClinVar variation 2169380 (VCV002169380.4), dbSNP rs375325526, ClinGen allele CA5947411.